The following is an entry in ClinVar:

NM_033159.4(HYAL1):c.28G>A (p.Ala10Thr)

Gene: HYAL1 (hyaluronidase 1; minus strand). Cytogenetic location: 3p21.31.
Variant type: single nucleotide variant.
Coding change: c.28G>A on transcript NM_033159.4 (MANE Select); coding-DNA position 28, G replaced by A.
Protein change: p.Ala10Thr; replaces alanine 10 with threonine.
Molecular consequence: missense variant. On other transcripts: non-coding transcript variant (1), intron variant (2).
Genome position (GRCh38, 1-based): chr3:50,302,929, C>T on the plus strand (G>A on the coding strand, the complement: HYAL1 is on the minus strand). VCF-style: chr3-50302929-C-T. GRCh37 (hg19) VCF-style: chr3-50340360-C-T.
Other names: c.28G>A, p.Ala10Thr (NM_153281.2, NM_153282.3); c.-27+537G>A (NM_153285.3); c.-213-306G>A (NM_153283.3); short protein forms A10T.
Identifiers: ClinVar variation 1400557 (VCV001400557.5), dbSNP rs782713825, ClinGen allele CA2416031.
Genomic context (GRCh38, chr3:50,302,929, plus strand): 5'-GGTTGGGTAGCAAGGGGCCCCTAAAGCCTTGGGCCATATCGAGTAAGGTCAGGAAGAGGG[C>T]GCAGATGGGAAGCAGGTGGGCTGCCATGGCACGGGACTGGTCGAGGACAACCTGGCCAGG-3'
Protein context (NP_149349.2, residues 1-20): MAAHLLPIC[Ala10Thr]LFLTLLDMAQ

ClinVar aggregate classification (germline): Uncertain significance (1 of 4 stars; one submission).

Conditions:
Deficiency of hyaluronoglucosaminidase (MPS9). Also called: HYALURONIDASE DEFICIENCY; MPS IX; Mucopolysaccharidosis type 9. Identifiers: Orphanet 67041, MedGen C1291490, MONDO:0011093, OMIM 601492.

Allele frequency attached by ClinVar (database versions not stated): ExAC 0.00001; gnomAD 0.00001; gnomAD exomes 0.00001; TOPMed 0.00002.
gnomAD v4.1: 12 of 1,580,422 alleles (0.00076%); highest among the groups gnomAD compares: African/African-American, 0.004%; no homozygotes.

Submission:

Labcorp Genetics (formerly Invitae), Labcorp
Classification: Uncertain significance for Deficiency of hyaluronoglucosaminidase. Last evaluated: 2022-01-01. Review status: criteria provided, single submitter. Criteria: Invitae Variant Classification Sherloc (09022015). Collection method: clinical testing. Allele origin: germline.
Comment: This sequence change replaces alanine, which is neutral and non-polar, with threonine, which is neutral and polar, at codon 10 of the HYAL1 protein (p.Ala10Thr). This variant is present in population databases (rs782713825, gnomAD 0.003%). This variant has not been reported in the literature in individuals affected with HYAL1-related conditions. Algorithms developed to predict the effect of missense changes on protein structure and function output the following: SIFT: "Tolerated"; PolyPhen-2: "Benign"; Align-GVGD: "Class C0". The threonine amino acid residue is found in multiple mammalian species, which suggests that this missense change does not adversely affect protein function. In summary, the available evidence is currently insufficient to determine the role of this variant in disease. Therefore, it has been classified as a Variant of Uncertain Significance.